The following is an entry in ClinVar:

NM_194248.3(OTOF):c.4852C>T (p.Arg1618Cys)

Gene: OTOF (otoferlin; minus strand). Cytogenetic location: 2p23.3.
Variant type: single nucleotide variant.
Coding change: c.4852C>T on transcript NM_194248.3 (MANE Select); coding-DNA position 4852, C replaced by T.
Protein change: p.Arg1618Cys; replaces arginine 1618 with cysteine.
Molecular consequence: missense variant.
Genome position (GRCh38, 1-based): chr2:26,464,977, G>A on the plus strand (C>T on the coding strand, the complement: OTOF is on the minus strand). VCF-style: chr2-26464977-G-A. GRCh37 (hg19) VCF-style: chr2-26687845-G-A.
Other names: c.4852C>T (NM_194248.2); c.4852C>T, p.Arg1618Cys (NM_001287489.2); c.2551C>T, p.Arg851Cys (NM_004802.4, NM_194323.3); c.2782C>T, p.Arg928Cys (NM_194322.3); short protein forms R1618C, R851C, R928C.
Identifiers: ClinVar variation 1311016 (VCV001311016.5), dbSNP rs150131683, ClinGen allele CA1563015.
Genomic context (GRCh38, chr2:26,464,977, plus strand): 5'-CCTTCACTCTCCCAGGGGGCCCAAAGTGGGGGCCGTCCACTTTGCCGTCTTTGCAGAGGC[G>A]GGTCAGGATCTGGCTGGGCTTCATGGGGTCCCGCCAGATATTGTAGCCATGTCTGTGGGA-3'
Protein context (NP_919224.1, residues 1608-1628): DPMKPSQILT[Arg1618Cys]LCKDGKVDGP

ClinVar aggregate classification (germline): Uncertain significance. Review status: criteria provided, multiple submitters, no conflicts (2 of 4 stars). 2 submissions from 2 submitters: Uncertain significance (2). Last evaluated 2025-08-04.

Conditions:
Inborn genetic diseases. Identifiers: MedGen C0950123, MeSH D030342.

Allele frequency attached by ClinVar (database versions not stated): TOPMed 0.00001; gnomAD exomes 0.00002; ESP Exome Variant Server 0.00008; ExAC 0.00001.
gnomAD v4.1: 21 of 1,540,578 alleles (0.0014%); highest among the groups gnomAD compares: Middle Eastern, 0.017%; no homozygotes.

Submissions (2):

Ambry Genetics
Classification: Uncertain significance for Inborn genetic diseases. Last evaluated: 2025-08-04. Review status: criteria provided, single submitter. Criteria: Ambry Variant Classification Scheme 2023. Collection method: clinical testing. Allele origin: germline.

GeneDx
Classification: Uncertain significance. Last evaluated: 2019-12-05. Review status: criteria provided, single submitter. Criteria: GeneDx Variant Classification Process June 2021. Collection method: clinical testing. Allele origin: germline. Affected: yes.
Comment: In silico analysis, which includes protein predictors and evolutionary conservation, supports a deleterious effect; Has not been previously published as pathogenic or benign to our knowledge